The following is an entry in ClinVar:

ClinVar aggregate classification (germline): Likely benign (0 of 4 stars; one submission).

Conditions:
HR-related disorder. Also called: HR-related disorders; HR-related condition. Identifiers: MedGen CN239293.

Allele frequency attached by ClinVar (database versions not stated): gnomAD 0.00001; TOPMed 0.00002.
gnomAD v4.1: 2 of 1,613,798 alleles (0.00012%); highest among the groups gnomAD compares: African/African-American, 0.0027%; no homozygotes.

Submission:

PreventionGenetics, part of Exact Sciences
Classification: Likely benign for HR-related condition. Last evaluated: 2019-06-19. Review status: no assertion criteria provided. Collection method: clinical testing. Allele origin: germline.
Comment: This variant is classified as likely benign based on ACMG/AMP sequence variant interpretation guidelines (Richards et al. 2015 PMID: 25741868, with internal and published modifications).

NM_005144.5(HR):c.1462C>T (p.Leu488=)

Gene: HR (HR lysine demethylase and nuclear receptor corepressor; minus strand). Cytogenetic location: 8p21.3.
Variant type: single nucleotide variant.
Coding change: c.1462C>T on transcript NM_005144.5 (MANE Select); coding-DNA position 1462, C replaced by T.
Protein change: p.Leu488=; no amino-acid change (leucine 488 retained).
Molecular consequence: synonymous variant.
Genome position (GRCh38, 1-based): chr8:22,125,676, G>A on the plus strand (C>T on the coding strand, the complement: HR is on the minus strand). VCF-style: chr8-22125676-G-A. GRCh37 (hg19) VCF-style: chr8-21983189-G-A.
Other names: c.1462C>T, p.Leu488= (NM_018411.4).
Identifiers: ClinVar variation 3043200 (VCV003043200.2), dbSNP rs1826871088, ClinGen allele CA459893347.